The following is an entry in ClinVar:

NM_004006.3(DMD):c.9225-20_9225-17del

Gene: DMD (dystrophin; minus strand). Cytogenetic location: Xp21.2.
Variant type: Microsatellite.
Coding change: c.9225-20_9225-17del on transcript NM_004006.3 (MANE Select); 20 bases into the intron before coding-DNA position 9225 through 17 bases into the intron before coding-DNA position 9225, 4 bases deleted (CTTT; older notation c.9225-20_9225-17delCTTT).
Molecular consequence: intron variant.
Genome position (GRCh38, 1-based): chrX:31,261,033-31,261,036, AAAG deleted on the plus strand (CTTT on the coding strand, the reverse complement: DMD is on the minus strand); deleting any 4 consecutive bases within chrX:31,261,033-31,261,041 gives the same sequence; the c. name uses the placement nearest the transcript's 3' end. VCF-style (leftmost placement, unchanged base first): chrX-31261032-TAAAG-T. GRCh37 (hg19) VCF-style: chrX-31279149-TAAAG-T.
Other names: c.9201-20_9201-17del (NM_000109.4); c.5202-20_5202-17del (NM_004011.4); c.5193-20_5193-17del (NM_004012.4); c.1845-20_1845-17del (NM_004023.3, NM_004020.4, NM_004022.3 and 2 more transcripts); c.1038-20_1038-17del (NM_004014.3); c.21-20_21-17del (NM_004018.3, NM_004017.3, NM_004016.3 and 2 more transcripts); c.9213-20_9213-17del (NM_004009.3); c.8856-20_8856-17del (NM_004010.3); and 1 more.
Identifiers: ClinVar variation 2417695 (VCV002417695.6), dbSNP rs2050458890, ClinGen allele CA2422368501.

ClinVar aggregate classification (germline): Likely benign. Review status: criteria provided, multiple submitters, no conflicts (2 of 4 stars). 2 submissions from 2 submitters: Likely benign (2). Last evaluated 2024-10-15.

Conditions:
Duchenne muscular dystrophy (DMD). Also called: Duchenne Muscular Dystrophy (DMD); MUSCULAR DYSTROPHY, PSEUDOHYPERTROPHIC PROGRESSIVE, DUCHENNE TYPE. Identifiers: Orphanet 98896, MedGen C0013264, MONDO:0010679, OMIM 310200.

Submissions (2):

Women's Health and Genetics/Laboratory Corporation of America, LabCorp
Classification: Likely benign. Last evaluated: 2024-10-15. Review status: criteria provided, single submitter. Criteria: LabCorp Variant Classification Summary - May 2015. Collection method: clinical testing. Allele origin: germline.
Comment: Variant summary: DMD c.9225-20_9225-17delCTTT alters a nucleotide located at a position not widely known to affect splicing. Consensus agreement among computation tools predict no significant impact on normal splicing. However, these predictions have yet to be confirmed by functional studies. The variant was absent in 179265 control chromosomes. The available data on variant occurrences in the general population are insufficient to allow any conclusion about variant significance. To our knowledge, no occurrence of c.9225-20_9225-17delCTTT in individuals affected with Dystrophinopathies and no experimental evidence demonstrating its impact on protein function have been reported. ClinVar contains an entry for this variant (Variation ID: 2417695). Based on the evidence outlined above, the variant was classified as likely benign.

Labcorp Genetics (formerly Invitae), Labcorp
Classification: Likely benign for Duchenne muscular dystrophy. Last evaluated: 2023-12-05. Review status: criteria provided, single submitter. Criteria: Invitae Variant Classification Sherloc (09022015). Collection method: clinical testing. Allele origin: germline.